The following is an entry in ClinVar:

ClinVar aggregate classification (germline): Uncertain significance (1 of 4 stars; one submission).

gnomAD v4.1: 3 of 1,607,056 alleles (0.00019%); highest among the groups gnomAD compares: African/African-American, 0.0013%; no homozygotes.

Submission:

Women's Health and Genetics/Laboratory Corporation of America, LabCorp
Classification: Uncertain significance. Last evaluated: 2024-12-20. Review status: criteria provided, single submitter. Criteria: LabCorp Variant Classification Summary - May 2015. Collection method: clinical testing. Allele origin: germline.
Comment: Variant summary: NPHS1 c.2206G>T (p.Val736Leu) results in a conservative amino acid change in the encoded protein sequence. Three of five in-silico tools predict a damaging effect of the variant on protein function. The variant was absent in 244460 control chromosomes. c.2206G>T has been reported in the literature in at-least one homozygous individual affected with Nephrotic Syndrome, Type 1 (example: Cil_2015). These data indicate that the variant may be associated with disease. To our knowledge, no experimental evidence demonstrating an impact on protein function has been reported. No submitters have cited clinical-significance assessments for this variant to ClinVar. The following publication has been ascertained in the context of this evaluation (PMID: 25720465). Based on the evidence outlined above, the variant was classified as VUS-possibly pathogenic.

Literature cited by the submitters: PubMed 25720465.

NM_004646.4(NPHS1):c.2206G>T (p.Val736Leu)

Gene: NPHS1 (NPHS1 adhesion molecule, nephrin; minus strand). Cytogenetic location: 19q13.12.
Variant type: single nucleotide variant.
Coding change: c.2206G>T on transcript NM_004646.4 (MANE Select); coding-DNA position 2206, G replaced by T.
Protein change: p.Val736Leu; replaces valine 736 with leucine.
Molecular consequence: missense variant.
Genome position (GRCh38, 1-based): chr19:35,844,109, C>A on the plus strand (G>T on the coding strand, the complement: NPHS1 is on the minus strand). VCF-style: chr19-35844109-C-A. GRCh37 (hg19) VCF-style: chr19-36335011-C-A.
Other names: short protein forms V736L.
Identifiers: ClinVar variation 3768498 (VCV003768498.1).